The following is an entry in ClinVar:

ClinVar aggregate classification (germline): Likely benign (1 of 4 stars; one submission).

Conditions:
Familial hypercholesterolemia. Also called: Familial hypercholesterolaemia. Identifiers: MedGen C0020445, MONDO:0005439.

Submission:

GENinCode PLC
Classification: Likely benign for Familial hypercholesterolemia. Last evaluated: 2024-02-16. Review status: criteria provided, single submitter. Criteria: ACMG Guidelines, 2015. Collection method: clinical testing. Allele origin: germline.
Comment: This is a synonymous (silent) variant that is not predicted by SpliceAI to impact splicing. In addition, it occurs at a nucleotide that is not conserved. Therefore this variant has been classified as Likely Benign (BP4, BP7).

NM_000384.3(APOB):c.5832T>C (p.His1944=)

Gene: APOB (apolipoprotein B; minus strand). Cytogenetic location: 2p24.1.
Variant type: single nucleotide variant.
Coding change: c.5832T>C on transcript NM_000384.3 (MANE Select); coding-DNA position 5832, T replaced by C.
Protein change: p.His1944=; no amino-acid change (histidine 1944 retained).
Molecular consequence: synonymous variant.
Genome position (GRCh38, 1-based): chr2:21,011,036, A>G on the plus strand (T>C on the coding strand, the complement: APOB is on the minus strand). VCF-style: chr2-21011036-A-G. GRCh37 (hg19) VCF-style: chr2-21233908-A-G.
Identifiers: ClinVar variation 3393011 (VCV003393011.1).